The following is an entry in ClinVar:

NM_001365536.1(SCN9A):c.2398C>A (p.Pro800Thr)

Genes: SCN1A-AS1 (SCN1A and SCN9A antisense RNA 1; plus strand), SCN9A (sodium voltage-gated channel alpha subunit 9; minus strand). Cytogenetic location: 2q24.3.
Variant type: single nucleotide variant.
Coding change: c.2398C>A on transcript NM_001365536.1 (MANE Select); coding-DNA position 2398, C replaced by A.
Protein change: p.Pro800Thr; replaces proline 800 with threonine.
Molecular consequence: missense variant.
Genome position (GRCh38, 1-based): chr2:166,278,259, G>T on the plus strand (C>A on the coding strand, the complement: SCN9A is on the minus strand). VCF-style: chr2-166278259-G-T. GRCh37 (hg19) VCF-style: chr2-167134769-G-T.
Other names: c.2365C>A, p.Pro789Thr (NM_002977.4); short protein forms P789T, P800T.
Identifiers: ClinVar variation 4783397 (VCV004783397.1).

ClinVar aggregate classification (germline): Uncertain significance (1 of 4 stars; one submission).

Conditions:
Neuropathy, hereditary sensory and autonomic, type 2A (HSAN2A). Also called: ACROOSTEOLYSIS, GIACCAI TYPE; ACROOSTEOLYSIS, NEUROGENIC; WNK1-Related HSAN2 (HSAN2A); NEUROPATHY, HEREDITARY SENSORY RADICULAR, AUTOSOMAL RECESSIVE; MORVAN DISEASE; NEUROPATHY, CONGENITAL SENSORY. Identifiers: Orphanet 970, MedGen C2752089, MONDO:0024309, OMIM 201300.
Generalized epilepsy with febrile seizures plus, type 7 (GEFSP7). Also called: GEFS+, TYPE 7. Identifiers: Orphanet 36387, MedGen C2751778, MONDO:0013470, OMIM 613863.

gnomAD v4.1: 1 of 1,611,654 alleles (0.000062%); highest among the groups gnomAD compares: Admixed American, 0.0017%; no homozygotes.

Submission:

Labcorp Genetics (formerly Invitae), Labcorp
Classification: Uncertain significance for Neuropathy, hereditary sensory and autonomic, type 2A; Generalized epilepsy with febrile seizures plus, type 7. Last evaluated: 2025-07-18. Review status: criteria provided, single submitter. Criteria: Invitae Variant Classification Sherloc (09022015). Collection method: clinical testing. Allele origin: germline.
Comment: This sequence change replaces proline, which is neutral and non-polar, with threonine, which is neutral and polar, at codon 789 of the SCN9A protein (p.Pro789Thr). This variant is present in population databases (no rsID available, gnomAD 0.003%). This variant has not been reported in the literature in individuals affected with SCN9A-related conditions. Invitae Evidence Modeling of protein sequence and biophysical properties (such as structural, functional, and spatial information, amino acid conservation, physicochemical variation, residue mobility, and thermodynamic stability) has been performed for this missense variant. However, the output from this modeling did not meet the statistical confidence thresholds required to predict the impact of this variant on SCN9A protein function. In summary, the available evidence is currently insufficient to determine the role of this variant in disease. Therefore, it has been classified as a Variant of Uncertain Significance.